The following is an entry in ClinVar:

NM_018979.4(WNK1):c.4484C>G (p.Thr1495Ser)

Gene: WNK1 (WNK lysine deficient protein kinase 1; plus strand). Cytogenetic location: 12p13.33.
Variant type: single nucleotide variant.
Coding change: c.4484C>G on transcript NM_018979.4 (MANE Select); coding-DNA position 4484, C replaced by G.
Protein change: p.Thr1495Ser; replaces threonine 1495 with serine.
Molecular consequence: missense variant.
Genome position (GRCh38, 1-based): chr12:885,288, C>G. VCF-style: chr12-885288-C-G. GRCh37 (hg19) VCF-style: chr12-994454-C-G.
Other names: c.5264C>G, p.Thr1755Ser (NM_001184985.2); c.3743C>G, p.Thr1248Ser (NM_014823.3); c.5240C>G, p.Thr1747Ser (NM_213655.5); short protein forms T1495S, T1747S, T1755S, T1248S.
Identifiers: ClinVar variation 538516 (VCV000538516.9), dbSNP rs760474824, ClinGen allele CA6382983.
Genomic context (GRCh38, chr12:885,288, plus strand): 5'-TATCTCAGCAGGCAGCAGGCAGCACTACTGTGGGAGCCACATTAACATCAGTTTCTACCA[C>G]CACTTCATTCCCAAGCACAGCTTCACAGCTGTGCATTCAGCTTAGCAGCAGTACTTCTAC-3'
Protein context (NP_061852.3, residues 1485-1505): VGATLTSVST[Thr1495Ser]TSFPSTASQL

ClinVar aggregate classification (germline): Uncertain significance. Review status: criteria provided, multiple submitters, no conflicts (2 of 4 stars). 2 submissions from 2 submitters: Uncertain significance (2). Last evaluated 2024-04-09.

Conditions:
Neuropathy, hereditary sensory and autonomic, type 2A (HSAN2A). Also called: HSAN IIA; WNK1-Related HSAN2 (HSAN2A); MORVAN DISEASE; NEUROPATHY, CONGENITAL SENSORY; NEUROPATHY, HEREDITARY SENSORY RADICULAR, AUTOSOMAL RECESSIVE; NEUROPATHY, HEREDITARY SENSORY, TYPE IIA. Identifiers: Orphanet 970, MedGen C2752089, MONDO:0024309, OMIM 201300.
Pseudohypoaldosteronism type 2C (PHA2C). Also called: Pseudohypoaldosteronism Type IIC. Identifiers: Orphanet 757, Orphanet 88940, MedGen C1840391, MONDO:0013778, OMIM 614492.

Allele frequency attached by ClinVar (database versions not stated): gnomAD exomes below 0.00001; ExAC 0.00001; TOPMed 0.00001.
gnomAD v4.1: 2 of 1,614,196 alleles (0.00012%); highest among the groups gnomAD compares: Non-Finnish European, 0.00017%; no homozygotes.

Submissions (2):

Labcorp Genetics (formerly Invitae), Labcorp
Classification: Uncertain significance for Neuropathy, hereditary sensory and autonomic, type 2A; Pseudohypoaldosteronism type 2C. Last evaluated: 2024-04-09. Review status: criteria provided, single submitter. Criteria: Invitae Variant Classification Sherloc (09022015). Collection method: clinical testing. Allele origin: germline.
Comment: This sequence change replaces threonine, which is neutral and polar, with serine, which is neutral and polar, at codon 1747 of the WNK1 protein (p.Thr1747Ser). This variant is present in population databases (rs760474824, gnomAD 0.0009%). This variant has not been reported in the literature in individuals affected with WNK1-related conditions. ClinVar contains an entry for this variant (Variation ID: 538516). Advanced modeling of protein sequence and biophysical properties (such as structural, functional, and spatial information, amino acid conservation, physicochemical variation, residue mobility, and thermodynamic stability) performed at Invitae indicates that this missense variant is not expected to disrupt WNK1 protein function with a negative predictive value of 95%. In summary, the available evidence is currently insufficient to determine the role of this variant in disease. Therefore, it has been classified as a Variant of Uncertain Significance.

ARUP Laboratories, Molecular Genetics and Genomics, ARUP Laboratories
Classification: Uncertain significance. Last evaluated: 2024-02-23. Review status: criteria provided, single submitter. Criteria: ARUP Molecular Germline Variant Investigation Process 2024. Collection method: clinical testing. Allele origin: germline.
Comment: The WNK1 c.5264C>G; p.Thr1755Ser variant (rs760474824), also known as c.4484C>G; p.Thr1495Ser for NM_018979, to our knowledge, is not reported in the medical literature but is reported in ClinVar (Variation ID: 538516). This variant is absent from the Genome Aggregation Database (v2.1.1), indicating it is not a common polymorphism. Computational analyses predict that this variant is neutral (REVEL: 0.057). Due to limited information, the clinical significance of this variant is uncertain at this time.